The following is an entry in ClinVar:

ClinVar aggregate classification (germline): Conflicting classifications of pathogenicity. Review status: criteria provided, conflicting classifications (1 of 4 stars). 4 submissions from 4 submitters: Uncertain significance (3); Likely benign (1). Last evaluated 2026-06-26.

Conditions:
Obesity, hyperphagia, and developmental delay (OBHD). Identifiers: Orphanet 99704, MedGen C3151303, MONDO:0013483, OMIM 613886.
NTRK2-related disorder. Also called: NTRK2-related condition.

Allele frequency attached by ClinVar (database versions not stated): gnomAD exomes below 0.00001; TOPMed 0.00002.
gnomAD v4.1: 6 of 1,602,162 alleles (0.00037%); highest among the groups gnomAD compares: African/African-American, 0.0067%; no homozygotes.

Submissions (4):

PreventionGenetics, part of Exact Sciences
Classification: Uncertain significance for NTRK2-related condition. Last evaluated: 2026-06-26. Review status: criteria provided, single submitter. Criteria: ACMG Guidelines, 2015. Collection method: clinical testing. Allele origin: germline.
Comment: The NTRK2 c.211A>G variant is predicted to result in the amino acid substitution p.Ile71Val. This variant was identified in an individual with interrupted aortic arch, posterior malalignment type ventricular septal defect, and Von Willebrand Disease (Patient 1047, Werner et al. 2014. PubMed ID: 25196463). This variant is reported in 0.0062% of alleles in individuals of African descent in gnomAD. At this time, the clinical significance of this variant is uncertain due to the absence of conclusive functional and genetic evidence.

Labcorp Genetics (formerly Invitae), Labcorp
Classification: Uncertain significance. Last evaluated: 2024-11-05. Review status: criteria provided, single submitter. Criteria: Invitae Variant Classification Sherloc (09022015). Collection method: clinical testing. Allele origin: germline.
Comment: This sequence change replaces isoleucine, which is neutral and non-polar, with valine, which is neutral and non-polar, at codon 71 of the NTRK2 protein (p.Ile71Val). This variant is present in population databases (no rsID available, gnomAD 0.007%). This variant has not been reported in the literature in individuals affected with NTRK2-related conditions. ClinVar contains an entry for this variant (Variation ID: 1409460). An algorithm developed to predict the effect of missense changes on protein structure and function (PolyPhen-2) suggests that this variant is likely to be disruptive. In summary, the available evidence is currently insufficient to determine the role of this variant in disease. Therefore, it has been classified as a Variant of Uncertain Significance.

Genomic Medicine Center of Excellence, King Faisal Specialist Hospital and Research Centre
Classification: Uncertain significance for Obesity, hyperphagia, and developmental delay. Last evaluated: 2024-04-04. Review status: criteria provided, single submitter. Criteria: ACMG Guidelines, 2015. Collection method: clinical testing. Allele origin: germline.

Revvity Omics, Revvity
Classification: Likely benign. Last evaluated: 2023-05-31. Review status: criteria provided, single submitter. Criteria: ACMG Guidelines, 2015. Collection method: clinical testing. Allele origin: germline.

NM_006180.6(NTRK2):c.211A>G (p.Ile71Val)

Gene: NTRK2 (neurotrophic receptor tyrosine kinase 2; plus strand). Cytogenetic location: 9q21.33.
Variant type: single nucleotide variant.
Coding change: c.211A>G on transcript NM_006180.6 (MANE Select); coding-DNA position 211, A replaced by G.
Protein change: p.Ile71Val; replaces isoleucine 71 with valine.
Molecular consequence: missense variant.
Genome position (GRCh38, 1-based): chr9:84,670,959, A>G. VCF-style: chr9-84670959-A-G. GRCh37 (hg19) VCF-style: chr9-87285874-A-G.
Other names: c.211A>G (NM_006180.4); c.211A>G, p.Ile71Val (NM_001007097.3, NM_001018064.3, NM_001018065.2 and 18 more transcripts); short protein forms I71V.
Identifiers: ClinVar variation 1409460 (VCV001409460.12), dbSNP rs1169880026, ClinGen allele CA374004973.
Genomic context (GRCh38, chr9:84,670,959, plus strand): 5'-GGCATCGTGGCATTTCCGAGATTGGAGCCTAACAGTGTAGATCCTGAGAACATCACCGAA[A>G]TGTGAGTTCCTGGAGCTTTTCCTCCTTTTTCTCCTTGCCCCTAGGGCCCGAGCTGGCCAG-3'
Protein context (NP_006171.2, residues 61-81): NSVDPENITE[Ile71Val]FIANQKRLEI